The following is an entry in ClinVar:

NM_006231.4(POLE):c.1018G>A (p.Glu340Lys)

Gene: POLE (DNA polymerase epsilon, catalytic subunit; minus strand). Cytogenetic location: 12q24.33.
Variant type: single nucleotide variant.
Coding change: c.1018G>A on transcript NM_006231.4 (MANE Select); coding-DNA position 1018, G replaced by A.
Protein change: p.Glu340Lys; replaces glutamic acid 340 with lysine.
Molecular consequence: missense variant.
Genome position (GRCh38, 1-based): chr12:132,676,096, C>T on the plus strand (G>A on the coding strand, the complement: POLE is on the minus strand). VCF-style: chr12-132676096-C-T. GRCh37 (hg19) VCF-style: chr12-133252682-C-T.
Other names: short protein forms E340K.
Identifiers: ClinVar variation 1465188 (VCV001465188.6), dbSNP rs2136013430, ClinGen allele CA387363364.

ClinVar aggregate classification (germline): Uncertain significance (1 of 4 stars; one submission).

Submission:

Labcorp Genetics (formerly Invitae), Labcorp
Classification: Uncertain significance. Last evaluated: 2022-08-09. Review status: criteria provided, single submitter. Criteria: Invitae Variant Classification Sherloc (09022015). Collection method: clinical testing. Allele origin: germline.
Comment: In summary, the available evidence is currently insufficient to determine the role of this variant in disease. Therefore, it has been classified as a Variant of Uncertain Significance. Algorithms developed to predict the effect of missense changes on protein structure and function are either unavailable or do not agree on the potential impact of this missense change (SIFT: "Deleterious"; PolyPhen-2: "Probably Damaging"; Align-GVGD: "Class C0"). ClinVar contains an entry for this variant (Variation ID: 1465188). This variant has not been reported in the literature in individuals affected with POLE-related conditions. This variant is not present in population databases (gnomAD no frequency). This sequence change replaces glutamic acid, which is acidic and polar, with lysine, which is basic and polar, at codon 340 of the POLE protein (p.Glu340Lys).